The following is an entry in ClinVar:

NM_000098.3(CPT2):c.1493G>T (p.Arg498Leu)

Gene: CPT2 (carnitine palmitoyltransferase 2; plus strand). Cytogenetic location: 1p32.3.
Variant type: single nucleotide variant.
Coding change: c.1493G>T on transcript NM_000098.3 (MANE Select); coding-DNA position 1493, G replaced by T.
Protein change: p.Arg498Leu; replaces arginine 498 with leucine.
Molecular consequence: missense variant.
Genome position (GRCh38, 1-based): chr1:53,211,167, G>T. VCF-style: chr1-53211167-G-T. GRCh37 (hg19) VCF-style: chr1-53676839-G-T.
Other names: c.1493G>T, p.Arg498Leu (NM_001330589.2); short protein forms R498L.
Identifiers: ClinVar variation 4536945 (VCV004536945.1).

ClinVar aggregate classification (germline): Uncertain significance (1 of 4 stars; one submission).

Submission:

Women's Health and Genetics/Laboratory Corporation of America, LabCorp
Classification: Uncertain significance. Last evaluated: 2025-11-07. Review status: criteria provided, single submitter. Criteria: LabCorp Variant Classification Summary - May 2015. Collection method: clinical testing. Allele origin: germline.
Comment: Variant summary: CPT2 c.1493G>T (p.Arg498Leu) results in a non-conservative amino acid change in the encoded protein sequence. Algorithms developed to predict the effect of missense changes on protein structure and function all suggest that this variant is likely to be disruptive. The variant was absent in 248508 control chromosomes (gnomAD). The available data on variant occurrences in the general population are insufficient to allow any conclusion about variant significance. c.1493G>T has been observed in individuals affected with Carnitine Palmitoyltransferase II Deficiency (Shao_2019, Hao_2023, Zhang_2024). These reports do not provide unequivocal conclusions about association of the variant with Carnitine Palmitoyltransferase II Deficiency. To our knowledge, no experimental evidence demonstrating an impact on protein function has been reported. The following publications have been ascertained in the context of this evaluation (PMID: 38061323, 31770251, 38650450). No submitters have cited clinical-significance assessments for this variant to ClinVar. Based on the evidence outlined above, the variant was classified as uncertain significance. on the evidence outlined above, the variant was classified as uncertain significance.

Literature cited by the submitters: PubMed 38061323; PubMed 31770251; PubMed 38650450.